The following is an entry in ClinVar:

ClinVar aggregate classification (germline): Uncertain significance (1 of 4 stars; one submission).

Conditions:
Glycogen storage disease IXd (GSD9D). Also called: Muscle Phosphorylase Kinase Deficiency; GSD IXd. Identifiers: Orphanet 715, MedGen C1845151, MONDO:0010362, OMIM 300559.

gnomAD v4.1: 5 of 1,208,061 alleles (0.00041%); highest among the groups gnomAD compares: Admixed American, 0.0088%; no homozygotes.

Submission:

Labcorp Genetics (formerly Invitae), Labcorp
Classification: Uncertain significance for Glycogen storage disease IXd. Last evaluated: 2025-12-16. Review status: criteria provided, single submitter. Criteria: Invitae Variant Classification Sherloc (09022015). Collection method: clinical testing. Allele origin: germline.
Comment: This sequence change replaces alanine, which is neutral and non-polar, with glycine, which is neutral and non-polar, at codon 654 of the PHKA1 protein (p.Ala654Gly). This variant is present in population databases (rs782241870, gnomAD 0.01%). This variant has not been reported in the literature in individuals affected with PHKA1-related conditions. ClinVar contains an entry for this variant (Variation ID: 3661641). An algorithm developed to predict the effect of missense changes on protein structure and function (PolyPhen-2) suggests that this variant is likely to be tolerated. In summary, the available evidence is currently insufficient to determine the role of this variant in disease. Therefore, it has been classified as a Variant of Uncertain Significance.

NM_002637.4(PHKA1):c.1961C>G (p.Ala654Gly)

Gene: PHKA1 (phosphorylase kinase regulatory subunit alpha 1; minus strand). Cytogenetic location: Xq13.1.
Variant type: single nucleotide variant.
Coding change: c.1961C>G on transcript NM_002637.4 (MANE Select); coding-DNA position 1961, C replaced by G.
Protein change: p.Ala654Gly; replaces alanine 654 with glycine.
Molecular consequence: missense variant. On other transcripts: intron variant (1).
Genome position (GRCh38, 1-based): chrX:72,620,901, G>C on the plus strand (C>G on the coding strand, the complement: PHKA1 is on the minus strand). VCF-style: chrX-72620901-G-C. GRCh37 (hg19) VCF-style: chrX-71840751-G-C.
Other names: c.1961C>G, p.Ala654Gly (NM_001122670.2, NM_001431068.1); c.1961-1596C>G (NM_001172436.2); short protein forms A654G.
Identifiers: ClinVar variation 3661641 (VCV003661641.2).